The following is an entry in ClinVar:

NM_000321.3(RB1):c.2091C>G (p.Asp697Glu)

Gene: RB1 (RB transcriptional corepressor 1; plus strand). Cytogenetic location: 13q14.2.
Variant type: single nucleotide variant.
Coding change: c.2091C>G on transcript NM_000321.3 (MANE Select); coding-DNA position 2091, C replaced by G.
Protein change: p.Asp697Glu; replaces aspartic acid 697 with glutamic acid.
Molecular consequence: missense variant.
Genome position (GRCh38, 1-based): chr13:48,459,818, C>G. VCF-style: chr13-48459818-C-G. GRCh37 (hg19) VCF-style: chr13-49033954-C-G.
Other names: short protein forms D697E.
Identifiers: ClinVar variation 312293 (VCV000312293.25), dbSNP rs3092903, ClinGen allele CA033984.

ClinVar aggregate classification (germline): Conflicting classifications of pathogenicity. Review status: criteria provided, conflicting classifications (1 of 4 stars). 8 submissions from 8 submitters: Uncertain significance (6); Benign (1); Likely benign (1). Last evaluated 2026-02-02.

Conditions:
Malignant tumor of urinary bladder. Also called: Bladder cancer; Urinary Bladder Neoplasms; Urinary bladder cancer. Identifiers: MedGen C0005684, MONDO:0001187, OMIM 109800.
Retinoblastoma (RB1). Also called: RETINOBLASTOMA, SOMATIC. Identifiers: Orphanet 790, MedGen C0035335, MeSH D012175, MONDO:0008380, OMIM 180200, HP:0009919. Disease mechanism: loss of function. Inheritance: Both sporadic and heritable forms are tested..
Hereditary cancer-predisposing syndrome. Also called: Tumor predisposition; Hereditary neoplastic syndrome; Hereditary Cancer Syndrome; Neoplastic Syndromes, Hereditary. Identifiers: Orphanet 140162, MedGen C0027672, MeSH D009386, MONDO:0015356.

Allele frequency attached by ClinVar (database versions not stated): ExAC 0.00001; TOPMed 0.00002; gnomAD 0.00001; ESP Exome Variant Server 0.00008; gnomAD exomes 0.00002.
gnomAD v4.1: 87 of 1,613,568 alleles (0.0054%); highest among the groups gnomAD compares: Non-Finnish European, 0.007%; no homozygotes.

Submissions (8):

Labcorp Genetics (formerly Invitae), Labcorp
Classification: Likely benign for Retinoblastoma. Last evaluated: 2026-02-02. Review status: criteria provided, single submitter. Criteria: Invitae Variant Classification Sherloc (09022015). Collection method: clinical testing. Allele origin: germline.

Color Diagnostics, LLC DBA Color Health
Classification: Uncertain significance for Retinoblastoma. Last evaluated: 2025-06-24. Review status: criteria provided, single submitter. Criteria: ACMG Guidelines, 2015. Collection method: clinical testing. Allele origin: germline.
Comment: This missense variant replaces aspartic acid with glutamic acid at codon 697 of the RB1 protein. Computational prediction suggests that this variant may have deleterious impact on protein structure and function. To our knowledge, functional studies have not been reported for this variant. One study has reported this variant in 1/118 healthy controls and 0/19 patients with retinoblastoma (PMID: 15776430). This variant has been reported in an individual with head and neck squamous cell carcinoma (PMID: 20596833). This variant has been identified in 82/1179738 non-Finnish European chromosomes in the general population by the Genome Aggregation Database (gnomAD v4). The available evidence is insufficient to determine the role of this variant in disease conclusively. Therefore, this variant is classified as a Variant of Uncertain Significance.

Dasa
Classification: Uncertain significance. Last evaluated: 2025-04-24. Review status: criteria provided, single submitter. Criteria: DASA Assertion Criteria. Collection method: clinical testing. Allele origin: germline.
Comment: NM_000321.3(RB1):c.2091C>G (p.Asp697Glu) is a missense variant that results in the substitution of aspartic acid with glutamic acid. This variant is rare in population databases. Computational prediction algorithms are consistent with a deleterious effect. The currently available literature and clinical evidence are not sufficient to establish a definitive association between this variant and the reported condition. Therefore, this variant is classified as a variant of uncertain significance.

All of Us Research Program, National Institutes of Health
Classification: Uncertain significance for Retinoblastoma. Last evaluated: 2024-02-05. Review status: criteria provided, single submitter. Criteria: ACMG Guidelines, 2015. Collection method: clinical testing. Allele origin: germline. Inheritance: Autosomal dominant inheritance. Observed: 6 variant alleles, 6 heterozygotes.
Comment: This missense variant replaces aspartic acid with glutamic acid at codon 697 of the RB1 protein. Computational prediction suggests that this variant may have deleterious impact on protein structure and function (internally defined REVEL score threshold >= 0.7, PMID: 27666373). To our knowledge, functional studies have not been reported for this variant. This variant has not been reported in individuals affected with retinoblastoma in the literature, but has been observed in an unaffected individual (PMID: 15776430). This variant has been identified in 4/251480 chromosomes in the general population by the Genome Aggregation Database (gnomAD). The available evidence is insufficient to determine the role of this variant in disease conclusively. Therefore, this variant is classified as a Variant of Uncertain Significance.

This study involves interpretation of variants in research participants for the purpose of population health screening. Participant phenotype was not available at the time of variant classification. Additional details can be found in publication PMID: 35346344, PMCID: PMC8962531

Baylor Genetics
Classification: Uncertain significance for Malignant tumor of urinary bladder. Last evaluated: 2023-10-31. Review status: criteria provided, single submitter. Criteria: ACMG Guidelines, 2015. Collection method: clinical testing. Allele origin: unknown.

GeneDx
Classification: Uncertain significance. Last evaluated: 2022-11-03. Review status: criteria provided, single submitter. Criteria: GeneDx Variant Classification Process June 2021. Collection method: clinical testing. Allele origin: germline. Affected: yes.
Comment: Not observed at significant frequency in large population cohorts (gnomAD); In silico analysis supports that this missense variant has a deleterious effect on protein structure/function; This variant is associated with the following publications: (PMID: 29625052, 15776430, 27535533, Dono2021[CaseReport], Dayalan_2006_Review)

Ambry Genetics
Classification: Benign for Hereditary cancer-predisposing syndrome. Last evaluated: 2021-10-22. Review status: criteria provided, single submitter. Criteria: Ambry Variant Classification Scheme 2023. Collection method: clinical testing. Allele origin: germline.

Illumina Laboratory Services, Illumina
Classification: Uncertain significance for Retinoblastoma. Last evaluated: 2018-01-13. Review status: criteria provided, single submitter. Criteria: ICSL Variant Classification Criteria 13 December 2019. Collection method: clinical testing. Allele origin: germline.

Literature cited by the submitters: PubMed 15776430 (cited by 3 submitters); PubMed 20596833 (cited by Color Diagnostics, LLC DBA Color Health); PubMed 29625052 (cited by Ambry Genetics).